The following is an entry in ClinVar:

NM_002693.3(POLG):c.2597G>A (p.Arg866Gln)

Gene: POLG (DNA polymerase gamma, catalytic subunit; minus strand). Cytogenetic location: 15q26.1.
Variant type: single nucleotide variant.
Coding change: c.2597G>A on transcript NM_002693.3 (MANE Select); coding-DNA position 2597, G replaced by A.
Protein change: p.Arg866Gln; replaces arginine 866 with glutamine.
Molecular consequence: missense variant.
Genome position (GRCh38, 1-based): chr15:89,321,737, C>T on the plus strand (G>A on the coding strand, the complement: POLG is on the minus strand). VCF-style: chr15-89321737-C-T. GRCh37 (hg19) VCF-style: chr15-89864968-C-T.
Other names: p.Arg866Gln; c.2597G>A, p.Arg866Gln (NM_001126131.2); short protein forms R866Q.
Identifiers: ClinVar variation 373212 (VCV000373212.35), dbSNP rs779723962, ClinGen allele CA7724416.
Genomic context (GRCh38, chr15:89,321,737, plus strand): 5'-CCAGTTTCTACAGACCTGGGAGAGGAAGAGCAGGGGCCAGAGGTACAGAGGTCACATACC[C>T]GGGCATTGCTGGCGGTGAGCCATGTGGGCTCCACAGCCCGGCGAGTGATGGTGCCGGCAG-3'
Protein context (NP_002684.1, residues 856-876): EPTWLTASNA[Arg866Gln]PDRVGSELKA

ClinVar aggregate classification (germline): Uncertain significance. Review status: criteria provided, multiple submitters, no conflicts (2 of 4 stars). 5 submissions from 5 submitters: Uncertain significance (5). Last evaluated 2026-03-01.

Conditions:
Progressive sclerosing poliodystrophy (MTDPS4A). Also called: Mitochondrial DNA Depletion Syndrome 4A; Mitochondrial DNA depletion syndrome 4A (Alpers type); ALPERS DIFFUSE DEGENERATION OF CEREBRAL GRAY MATTER WITH HEPATIC CIRRHOSIS; NEURONAL DEGENERATION OF CHILDHOOD WITH LIVER DISEASE, PROGRESSIVE; Alpers-Huttenlocher Syndrome; Alpers-Huttenlocher Syndrome (AHS). Identifiers: Orphanet 726, MedGen C0205710, MONDO:0008758, OMIM 203700.

Allele frequency attached by ClinVar (database versions not stated): TOPMed below 0.00001; ExAC 0.00002; gnomAD exomes 0.00002.

Submissions (5):

CeGaT Center for Human Genetics Tuebingen
Classification: Uncertain significance. Last evaluated: 2026-03-01. Review status: criteria provided, single submitter. Criteria: CeGaT Center For Human Genetics Tuebingen Variant Classification Criteria Version 2. Collection method: clinical testing. Allele origin: germline. Affected: yes. Observed: 2 variant alleles.
Comment: POLG: PM2

Labcorp Genetics (formerly Invitae), Labcorp
Classification: Uncertain significance for Progressive sclerosing poliodystrophy. Last evaluated: 2025-07-31. Review status: criteria provided, single submitter. Criteria: Invitae Variant Classification Sherloc (09022015). Collection method: clinical testing. Allele origin: germline.
Comment: This sequence change replaces arginine, which is basic and polar, with glutamine, which is neutral and polar, at codon 866 of the POLG protein (p.Arg866Gln). This variant is present in population databases (rs779723962, gnomAD 0.02%). This variant has not been reported in the literature in individuals affected with POLG-related conditions. ClinVar contains an entry for this variant (Variation ID: 373212). An algorithm developed to predict the effect of missense changes on protein structure and function (PolyPhen-2) suggests that this variant is likely to be disruptive. In summary, the available evidence is currently insufficient to determine the role of this variant in disease. Therefore, it has been classified as a Variant of Uncertain Significance.

Mayo Clinic Laboratories, Mayo Clinic
Classification: Uncertain significance. Last evaluated: 2025-07-11. Review status: criteria provided, single submitter. Criteria: ACMG Guidelines, 2015. Collection method: clinical testing. Allele origin: germline. Observed: 1 variant allele.

Blueprint Genetics
Classification: Uncertain significance. Last evaluated: 2022-09-15. Review status: criteria provided, single submitter. Criteria: ACMG Guidelines, 2015. Collection method: clinical testing. Allele origin: germline.

GeneDx
Classification: Uncertain significance. Last evaluated: 2016-11-17. Review status: criteria provided, single submitter. Criteria: GeneDx Variant Classification (06012015). Collection method: clinical testing. Allele origin: germline. Affected: yes.
Comment: A variant of uncertain significance has been identified in the POLG gene. The R866Q variant has not been published as a pathogenic variant, nor has it been reported as a benign variant to our knowledge. The R866Q variant was not observed in approximately 6,500 individuals of European and African American ancestry in the NHLBI Exome Sequencing Project, indicating it is not a common benign variant in these populations. The R866Q variant is a semi-conservative amino acid substitution, which may impact secondary protein structure as these residues differ in some properties. This substitution occurs at a position that is conserved across species. In silico analysis is inconsistent in its predictions as to whether or not the variant is damaging to the protein structure/function. Therefore, based on the currently available information, it is unclear whether this variant is a pathogenic variant or a rare benign variant.